The following is an entry in ClinVar:

ClinVar aggregate classification (germline): Conflicting classifications of pathogenicity. Review status: criteria provided, conflicting classifications (1 of 4 stars). 4 submissions from 4 submitters: Uncertain significance (2); Likely benign (1). 1 of the submissions does not count toward it. Last evaluated 2024-10-23.

Conditions:
Charcot-Marie-Tooth disease. Also called: Charcot-Marie-Tooth Hereditary Neuropathy; Charcot-Marie-Tooth Neuropathy. Identifiers: Orphanet 166, MedGen C0007959, MONDO:0015626.
Amyotrophic neuralgia (HNA). Also called: AMYOTROPHY, HEREDITARY NEURALGIC, WITH PREDILECTION FOR BRACHIAL PLEXUS; AMYOTROPHY, HEREDITARY NEURALGIC; Hereditary Brachial Plexus Neuropathy; Neuritis with Brachial Predilection. Identifiers: Orphanet 2901, MedGen C1834304, MONDO:0008076, OMIM 162100.
Inborn genetic diseases. Identifiers: MedGen C0950123, MeSH D030342.

Allele frequency attached by ClinVar (database versions not stated): ExAC 0.00002; gnomAD 0.00003; gnomAD exomes 0.00004 and 0.00007; TOPMed 0.00005.
gnomAD v4.1: 101 of 1,608,696 alleles (0.0063%); highest among the groups gnomAD compares: Middle Eastern, 0.018%; no homozygotes.

Submissions (4):

Blueprint Genetics
Classification: Likely benign. Last evaluated: 2024-10-23. Review status: criteria provided, single submitter. Criteria: ACMG Guidelines, 2015. Collection method: clinical testing. Allele origin: germline.

Labcorp Genetics (formerly Invitae), Labcorp
Classification: Uncertain significance. Last evaluated: 2024-07-16. Review status: criteria provided, single submitter. Criteria: Invitae Variant Classification Sherloc (09022015). Collection method: clinical testing. Allele origin: germline.
Comment: This sequence change replaces proline, which is neutral and non-polar, with leucine, which is neutral and non-polar, at codon 566 of the SEPT9 protein (p.Pro566Leu). This variant is present in population databases (rs753322947, gnomAD 0.009%). This variant has not been reported in the literature in individuals affected with SEPT9-related conditions. ClinVar contains an entry for this variant (Variation ID: 694909). An algorithm developed to predict the effect of missense changes on protein structure and function (PolyPhen-2) suggests that this variant is likely to be tolerated. In summary, the available evidence is currently insufficient to determine the role of this variant in disease. Therefore, it has been classified as a Variant of Uncertain Significance.

Ambry Genetics
Classification: Uncertain significance for Inborn genetic diseases. Last evaluated: 2022-11-17. Review status: criteria provided, single submitter. Criteria: Ambry Variant Classification Scheme 2023. Collection method: clinical testing. Allele origin: germline.

Genesis Genome Database
Classification: Uncertain significance for Charcot-Marie-Tooth disease. Last evaluated: 2019-08-14. Review status: no assertion criteria provided. Collection method: research. Allele origin: germline. Affected: yes. Not counted in ClinVar's aggregate classification.

NM_001113491.2(SEPTIN9):c.1751C>T (p.Pro584Leu)

Gene: SEPTIN9 (septin 9; plus strand). Cytogenetic location: 17q25.3.
Variant type: single nucleotide variant.
Coding change: c.1751C>T on transcript NM_001113491.2 (MANE Select); coding-DNA position 1751, C replaced by T.
Protein change: p.Pro584Leu; replaces proline 584 with leucine.
Molecular consequence: missense variant.
Genome position (GRCh38, 1-based): chr17:77,498,648, C>T. VCF-style: chr17-77498648-C-T. GRCh37 (hg19) VCF-style: chr17-75494730-C-T.
Other names: c.1697C>T (NM_006640.4); c.1259C>T, p.Pro420Leu (NM_001113492.2, NM_001113494.1); c.1730C>T, p.Pro577Leu (NM_001113493.2); c.998C>T, p.Pro333Leu (NM_001113495.2, NM_001113496.2, NM_001293697.2 and 1 more transcripts); c.1694C>T, p.Pro565Leu (NM_001293695.2); c.1079C>T, p.Pro360Leu (NM_001293696.2); c.1697C>T, p.Pro566Leu (NM_006640.5); short protein forms P577L, P333L, P360L, P565L, P420L, P566L, P584L.
Identifiers: ClinVar variation 694909 (VCV000694909.9), dbSNP rs753322947, ClinGen allele CA8793929.
Genomic context (GRCh38, chr17:77,498,648, plus strand): 5'-GCCTCAACGAGGGCAGCAGCGCCATGGCCAACGGCATGGAGGAGAAGGAGCCAGAAGCCC[C>T]GGAGATGTAGACGCCACCCTGCCCACCCCCGGGATCCTGCCCCCAAGTCATTTCCGTCCC-3'
Protein context (NP_001106963.1, residues 574-586): NGMEEKEPEA[Pro584Leu]EM